The following is an entry in ClinVar:

NM_001354604.2(MITF):c.105-12780A>G

Gene: MITF (melanocyte inducing transcription factor; plus strand). Cytogenetic location: 3p13.
Variant type: single nucleotide variant.
Coding change: c.105-12780A>G on transcript NM_001354604.2 (MANE Select); 12780 bases into the intron before coding-DNA position 105, A replaced by G.
Molecular consequence: intron variant.
Genome position (GRCh38, 1-based): chr3:69,866,354, A>G. VCF-style: chr3-69866354-A-G. GRCh37 (hg19) VCF-style: chr3-69915505-A-G.
Other names: c.54-12780A>G (NM_001354607.2); c.-52-12780A>G (NM_001354608.2, NM_001184967.2); c.105-12780A>G (NM_198159.3); c.105-12783A>G (NM_001354605.2, NM_001354606.2); c.102-12780A>G (NM_006722.3); c.56+8A>G (NM_198177.3).
Identifiers: ClinVar variation 4984650 (VCV004984650.1).

ClinVar aggregate classification (germline): Likely benign (1 of 4 stars; one submission).

Conditions:
MITF-related disorder. Also called: MITF-related condition.

Submission:

PreventionGenetics, part of Exact Sciences
Classification: Likely benign for MITF-related condition. Last evaluated: 2026-01-09. Review status: criteria provided, single submitter. Criteria: ACMG Guidelines, 2015. Collection method: clinical testing. Allele origin: germline.
Comment: This variant is classified as likely benign based on ACMG/AMP sequence variant interpretation guidelines (Richards et al. 2015 PMID: 25741868, with internal and published modifications).